The following is an entry in ClinVar:

NM_001035.3(RYR2):c.1828-3C>A

Gene: RYR2 (ryanodine receptor 2; plus strand). Cytogenetic location: 1q43.
Variant type: single nucleotide variant.
Coding change: c.1828-3C>A on transcript NM_001035.3 (MANE Select); 3 bases into the intron before coding-DNA position 1828, C replaced by A.
Molecular consequence: intron variant.
Genome position (GRCh38, 1-based): chr1:237,492,951, C>A. VCF-style: chr1-237492951-C-A. GRCh37 (hg19) VCF-style: chr1-237656251-C-A.
Identifiers: ClinVar variation 3704328 (VCV003704328.2).
Genomic context (GRCh38, chr1:237,492,951, plus strand): 5'-GGGAGGGAGGGAGGGAAAGCAGGGAGGGAGGGAGGATCAGCTGAAAGTAATTTCTCTTTT[C>A]AGGTTCTGGATGTCTTGTGCTCACTCTGTGTTTGCCACGGGGTTGCAGTCCGTTCTAACC-3'

ClinVar aggregate classification (germline): Uncertain significance (1 of 4 stars; one submission).

Conditions:
Catecholaminergic polymorphic ventricular tachycardia 1. Also called: VENTRICULAR TACHYCARDIA, STRESS-INDUCED POLYMORPHIC 1; VENTRICULAR TACHYCARDIA, CATECHOLAMINERGIC POLYMORPHIC, 1, WITH OR WITHOUT ATRIAL DYSFUNCTION AND/OR DILATED CARDIOMYOPATHY; RYR2-Related Catecholaminergic Polymorphic Ventricular Tachycardia. Identifiers: Orphanet 3286, MedGen C1631597, MONDO:0011484, OMIM 604772.

Submission:

Labcorp Genetics (formerly Invitae), Labcorp
Classification: Uncertain significance for Catecholaminergic polymorphic ventricular tachycardia 1. Last evaluated: 2024-06-04. Review status: criteria provided, single submitter. Criteria: Invitae Variant Classification Sherloc (09022015). Collection method: clinical testing. Allele origin: germline.
Comment: This sequence change falls in intron 18 of the RYR2 gene. It does not directly change the encoded amino acid sequence of the RYR2 protein. It affects a nucleotide within the consensus splice site. This variant is not present in population databases (gnomAD no frequency). This variant has not been reported in the literature in individuals affected with RYR2-related conditions. Variants that disrupt the consensus splice site are a relatively common cause of aberrant splicing (PMID: 17576681, 9536098). Algorithms developed to predict the effect of sequence changes on RNA splicing suggest that this variant is not likely to affect RNA splicing. In summary, the available evidence is currently insufficient to determine the role of this variant in disease. Therefore, it has been classified as a Variant of Uncertain Significance.

Literature cited by the submitters: PubMed 17576681; PubMed 9536098.